The following is an entry in ClinVar:

ClinVar aggregate classification (germline): Uncertain significance (1 of 4 stars; one submission).

Conditions:
Hereditary cancer-predisposing syndrome. Also called: Neoplastic Syndromes, Hereditary; Tumor predisposition; Hereditary neoplastic syndrome; Hereditary Cancer Syndrome. Identifiers: Orphanet 140162, MedGen C0027672, MeSH D009386, MONDO:0015356.

Submission:

Ambry Genetics
Classification: Uncertain significance for Hereditary cancer-predisposing syndrome. Last evaluated: 2026-07-07. Review status: criteria provided, single submitter. Criteria: Ambry Variant Classification Scheme 2023. Collection method: clinical testing. Allele origin: germline.
Comment: The p.V1173A variant (also known as c.3518T>C), located in coding exon 15 of the APC gene, results from a T to C substitution at nucleotide position 3518. The valine at codon 1173 is replaced by alanine, an amino acid with similar properties. This amino acid position is conserved. In addition, in silico predictors for this gene do not accurately predict pathogenicity. Based on the available evidence, the clinical significance of this variant remains unclear.

NM_000038.6(APC):c.3518T>C (p.Val1173Ala)

Gene: APC (APC regulator of Wnt signaling pathway; plus strand). Cytogenetic location: 5q22.2.
Variant type: single nucleotide variant.
Coding change: c.3518T>C on transcript NM_000038.6 (MANE Select); coding-DNA position 3518, T replaced by C.
Protein change: p.Val1173Ala; replaces valine 1173 with alanine.
Molecular consequence: missense variant. On other transcripts: non-coding transcript variant (2).
Genome position (GRCh38, 1-based): chr5:112,839,112, T>C. VCF-style: chr5-112839112-T-C. GRCh37 (hg19) VCF-style: chr5-112174809-T-C.
Other names: c.2366T>C, p.Val789Ala (NM_001407472.1, NM_001407471.1); c.3518T>C, p.Val1173Ala (NM_001127510.3, NM_001354895.2, NM_001407450.1); c.3464T>C, p.Val1155Ala (NM_001127511.3); c.3572T>C, p.Val1191Ala (NM_001354896.2, NM_001407447.1, NM_001407448.1 and 1 more transcripts); c.3548T>C, p.Val1183Ala (NM_001354897.2); c.3443T>C, p.Val1148Ala (NM_001354898.2); c.3434T>C, p.Val1145Ala (NM_001354899.2); c.3395T>C, p.Val1132Ala (NM_001354900.2); and 11 more; short protein forms V1166A, V890A, V1072A, V1132A, V1145A, V1183A, V1191A, V1013A.
Identifiers: ClinVar variation 5025257 (VCV005025257.1).